The following is an entry in ClinVar:

ClinVar aggregate classification (germline): Uncertain significance (1 of 4 stars; one submission).

Allele frequency attached by ClinVar (database versions not stated): gnomAD exomes below 0.00001.
gnomAD v4.1: 1 of 1,614,116 alleles (0.000062%); highest among the groups gnomAD compares: Non-Finnish European, 0.000085%; no homozygotes.

Submission:

Ambry Genetics
Classification: Uncertain significance. Last evaluated: 2023-01-22. Review status: criteria provided, single submitter. Criteria: Ambry Variant Classification Scheme 2023. Collection method: clinical testing. Allele origin: germline.
Comment: The p.N697S variant (also known as c.2090A>G), located in coding exon 13 of the NPAT gene, results from an A to G substitution at nucleotide position 2090. The asparagine at codon 697 is replaced by serine, an amino acid with highly similar properties. This amino acid position is conserved. In addition, this alteration is predicted to be tolerated by in silico analysis. Since supporting evidence is limited at this time, the clinical significance of this alteration remains unclear.

NM_002519.3(NPAT):c.2090A>G (p.Asn697Ser)

Gene: NPAT (nuclear protein, coactivator of histone transcription; minus strand). Cytogenetic location: 11q22.3.
Variant type: single nucleotide variant.
Coding change: c.2090A>G on transcript NM_002519.3 (MANE Select); coding-DNA position 2090, A replaced by G.
Protein change: p.Asn697Ser; replaces asparagine 697 with serine.
Molecular consequence: missense variant.
Genome position (GRCh38, 1-based): chr11:108,172,894, T>C on the plus strand (A>G on the coding strand, the complement: NPAT is on the minus strand). VCF-style: chr11-108172894-T-C. GRCh37 (hg19) VCF-style: chr11-108043621-T-C.
Other names: c.2090A>G, p.Asn697Ser (NM_001321307.1); short protein forms N697S.
Identifiers: ClinVar variation 2496705 (VCV002496705.2), dbSNP rs2496718705, ClinGen allele CA382513712.